The following is an entry in ClinVar:

ClinVar aggregate classification (germline): Uncertain significance (1 of 4 stars; one submission).

Conditions:
Dyskeratosis congenita. Identifiers: Orphanet 1775, MedGen C0265965, MONDO:0015780.

gnomAD v4.1: 3 of 1,613,960 alleles (0.00019%); highest among the groups gnomAD compares: Non-Finnish European, 0.00025%; no homozygotes.

Submission:

Ambry Genetics
Classification: Uncertain significance for Dyskeratosis congenita. Last evaluated: 2024-01-11. Review status: criteria provided, single submitter. Criteria: Ambry Variant Classification Scheme 2023. Collection method: clinical testing. Allele origin: germline.
Comment: The p.R889G variant (also known as c.2665C>G), located in coding exon 11 of the TERT gene, results from a C to G substitution at nucleotide position 2665. The arginine at codon 889 is replaced by glycine, an amino acid with dissimilar properties. This amino acid position is conserved. In addition, this alteration is predicted to be tolerated by in silico analysis. Since supporting evidence is limited at this time, the clinical significance of this alteration remains unclear.

NM_198253.3(TERT):c.2665C>G (p.Arg889Gly)

Gene: TERT (telomerase reverse transcriptase; minus strand). Cytogenetic location: 5p15.33.
Variant type: single nucleotide variant.
Coding change: c.2665C>G on transcript NM_198253.3 (MANE Select); coding-DNA position 2665, C replaced by G.
Protein change: p.Arg889Gly; replaces arginine 889 with glycine.
Molecular consequence: missense variant. On other transcripts: intron variant (1).
Genome position (GRCh38, 1-based): chr5:1,264,582, G>C on the plus strand (C>G on the coding strand, the complement: TERT is on the minus strand). VCF-style: chr5-1264582-G-C. GRCh37 (hg19) VCF-style: chr5-1264697-G-C.
Other names: c.2665C>G, p.Arg889Gly (NM_003219.1); c.2654+1882C>G (NM_001193376.3); short protein forms R889G.
Identifiers: ClinVar variation 3238572 (VCV003238572.1), dbSNP rs2478154164.